The following is an entry in ClinVar:

NM_006979.3(SLC39A7):c.1116G>C (p.Gln372His)

Gene: SLC39A7 (solute carrier family 39 member 7; plus strand). Cytogenetic location: 6p21.32.
Variant type: single nucleotide variant.
Coding change: c.1116G>C on transcript NM_006979.3 (MANE Select); coding-DNA position 1116, G replaced by C.
Protein change: p.Gln372His; replaces glutamine 372 with histidine.
Molecular consequence: missense variant.
Genome position (GRCh38, 1-based): chr6:33,203,085, G>C. VCF-style: chr6-33203085-G-C. GRCh37 (hg19) VCF-style: chr6-33170862-G-C.
Other names: c.1116G>C, p.Gln372His (NM_001077516.2); c.741G>C, p.Gln247His (NM_001288777.2); short protein forms Q247H, Q372H.
Identifiers: ClinVar variation 2068170 (VCV002068170.4), dbSNP rs1222439629, ClinGen allele CA363646209.

ClinVar aggregate classification (germline): Uncertain significance (1 of 4 stars; one submission).

Submission:

Labcorp Genetics (formerly Invitae), Labcorp
Classification: Uncertain significance. Last evaluated: 2022-01-01. Review status: criteria provided, single submitter. Criteria: Invitae Variant Classification Sherloc (09022015). Collection method: clinical testing. Allele origin: germline.
Comment: This sequence change replaces glutamine, which is neutral and polar, with histidine, which is basic and polar, at codon 372 of the SLC39A7 protein (p.Gln372His). This variant is not present in population databases (gnomAD no frequency). In summary, the available evidence is currently insufficient to determine the role of this variant in disease. Therefore, it has been classified as a Variant of Uncertain Significance. Algorithms developed to predict the effect of missense changes on protein structure and function are either unavailable or do not agree on the potential impact of this missense change (SIFT: "Deleterious"; PolyPhen-2: "Possibly Damaging"; Align-GVGD: "Class C0"). This variant has not been reported in the literature in individuals affected with SLC39A7-related conditions.